The following is an entry in ClinVar:

ClinVar aggregate classification (germline): Benign/Likely benign. Review status: criteria provided, multiple submitters, no conflicts (2 of 4 stars). 3 submissions from 3 submitters: Benign (1); Likely benign (2). Last evaluated 2024-12-05.

Conditions:
Wolfram syndrome 1 (WFS1). Identifiers: Orphanet 3463, MedGen C4551693, MONDO:0009101, OMIM 222300.

Allele frequency attached by ClinVar (database versions not stated): ExAC 0.00001; gnomAD exomes 0.00001; gnomAD 0.00003; TOPMed 0.00003.
gnomAD v4.1: 11 of 1,614,032 alleles (0.00068%); highest among the groups gnomAD compares: African/African-American, 0.015%; no homozygotes.

Submissions (3):

Labcorp Genetics (formerly Invitae), Labcorp
Classification: Likely benign. Last evaluated: 2024-12-05. Review status: criteria provided, single submitter. Criteria: Invitae Variant Classification Sherloc (09022015). Collection method: clinical testing. Allele origin: germline.

GeneDx
Classification: Likely benign. Last evaluated: 2016-03-17. Review status: criteria provided, single submitter. Criteria: GeneDx Variant Classification (06012015). Collection method: clinical testing. Allele origin: germline. Affected: yes.
Comment: This variant is considered likely benign or benign based on one or more of the following criteria: it is a conservative change, it occurs at a poorly conserved position in the protein, it is predicted to be benign by multiple in silico algorithms, and/or has population frequency not consistent with disease.

Clinical Genomics, Uppaluri K&H Personalized Medicine Clinic
Classification: Benign for Wolfram syndrome 1. Review status: criteria provided, single submitter. Criteria: K & H Uppaluri Personalized Medicine Clinic Variant Classification & Assertion Criteria_Updated V.1. Collection method: research. Allele origin: unknown. Inheritance: Autosomal recessive inheritance.
Comment: Potent mutations in WFS1 gene are associated with Wolfram's syndrome, an autosomal recessive condition, which cause diabetes mellitus, diabetes insipidus, deafness and optic atrophy.However no sufficient evidence is found to ascertain the role of this particular variant rs35568345 in Wolfram's syndrome yet.

Literature cited by the submitters: PubMed 20738327 (cited by Clinical Genomics, Uppaluri K&H Personalized Medicine Clinic); PubMed 17603484 (cited by Clinical Genomics, Uppaluri K&H Personalized Medicine Clinic); PubMed 20301750 (cited by Clinical Genomics, Uppaluri K&H Personalized Medicine Clinic); PubMed 18060660 (cited by Clinical Genomics, Uppaluri K&H Personalized Medicine Clinic); PubMed 12955714 (cited by Clinical Genomics, Uppaluri K&H Personalized Medicine Clinic); PubMed 33879153 (cited by Clinical Genomics, Uppaluri K&H Personalized Medicine Clinic).

NM_006005.3(WFS1):c.1761G>C (p.Arg587=)

Gene: WFS1 (wolframin ER transmembrane glycoprotein; plus strand). Cytogenetic location: 4p16.1.
Variant type: single nucleotide variant.
Coding change: c.1761G>C on transcript NM_006005.3 (MANE Select); coding-DNA position 1761, G replaced by C.
Protein change: p.Arg587=; no amino-acid change (arginine 587 retained).
Molecular consequence: synonymous variant.
Genome position (GRCh38, 1-based): chr4:6,301,556, G>C. VCF-style: chr4-6301556-G-C. GRCh37 (hg19) VCF-style: chr4-6303283-G-C.
Other names: c.1761G>C, p.Arg587= (NM_001145853.1).
Identifiers: ClinVar variation 383526 (VCV000383526.9), dbSNP rs35568345, ClinGen allele CA2839479.